The following is an entry in ClinVar:

NM_001715.3(BLK):c.1374C>G (p.Asp458Glu)

Gene: BLK (BLK proto-oncogene, Src family tyrosine kinase). Cytogenetic location: 8p23.1.
Variant type: single nucleotide variant.
Coding change: c.1374C>G on transcript NM_001715.3 (MANE Select); coding-DNA position 1374, C replaced by G.
Protein change: p.Asp458Glu; replaces aspartic acid 458 with glutamic acid.
Molecular consequence: missense variant.
Genome position (GRCh38, 1-based): chr8:11,563,964, C>G. VCF-style: chr8-11563964-C-G. GRCh37 (hg19) VCF-style: chr8-11421473-C-G.
Other names: c.1161C>G, p.Asp387Glu (NM_001330465.2); short protein forms D458E, D387E.
Identifiers: ClinVar variation 3662250 (VCV003662250.2).

ClinVar aggregate classification (germline): Uncertain significance (1 of 4 stars; one submission).

gnomAD v4.1: 3 of 1,606,786 alleles (0.00019%); highest among the groups gnomAD compares: Non-Finnish European, 0.00025%; no homozygotes.

Submission:

Labcorp Genetics (formerly Invitae), Labcorp
Classification: Uncertain significance. Last evaluated: 2024-08-13. Review status: criteria provided, single submitter. Criteria: Invitae Variant Classification Sherloc (09022015). Collection method: clinical testing. Allele origin: germline.
Comment: This sequence change replaces aspartic acid, which is acidic and polar, with glutamic acid, which is acidic and polar, at codon 458 of the BLK protein (p.Asp458Glu). This variant is not present in population databases (gnomAD no frequency). This variant has not been reported in the literature in individuals affected with BLK-related conditions. An algorithm developed to predict the effect of missense changes on protein structure and function outputs the following: PolyPhen-2: "Benign". The glutamic acid amino acid residue is found in multiple mammalian species, which suggests that this missense change does not adversely affect protein function. In summary, the available evidence is currently insufficient to determine the role of this variant in disease. Therefore, it has been classified as a Variant of Uncertain Significance.